The following is an entry in ClinVar:

NM_001242896.3(DEPDC5):c.3564-1G>C

Gene: DEPDC5 (DEP domain containing 5, GATOR1 subcomplex subunit; plus strand). Cytogenetic location: 22q12.3.
Variant type: single nucleotide variant.
Coding change: c.3564-1G>C on transcript NM_001242896.3 (MANE Select); the canonical splice acceptor site of the intron before coding-DNA position 3564, G replaced by C.
Molecular consequence: splice acceptor variant.
Genome position (GRCh38, 1-based): chr22:31,874,272, G>C. VCF-style: chr22-31874272-G-C. GRCh37 (hg19) VCF-style: chr22-32270258-G-C.
Other names: c.3564-1G>C (NM_001364318.2); c.3537-1G>C (NM_001136029.4); c.3471-1G>C (NM_014662.6, NM_001369903.1); c.3498-1G>C (NM_001363852.2, NM_001364320.2); c.3330-1G>C (NM_001363854.2, NM_001364319.2); c.3264-1G>C (NM_001242897.2); c.3480-1G>C (NM_001369902.1, NM_001369901.1).
Identifiers: ClinVar variation 2504650 (VCV002504650.4), dbSNP rs2522412502, ClinGen allele CA411277624.

ClinVar aggregate classification (germline): Pathogenic (1 of 4 stars; one submission).

Conditions:
Epilepsy, familial focal, with variable foci 1 (FFEVF1). Also called: DEPDC5-Related Epilepsy. Identifiers: MedGen C4551983, MONDO:0024556, OMIM 604364.

Submission:

Laboratory of Functional Genomics, Research Centre for Medical Genetics
Classification: Pathogenic for Epilepsy, familial focal, with variable foci 1. Review status: criteria provided, single submitter. Criteria: ACMG Guidelines, 2015. Collection method: clinical testing. Allele origin: inherited, unknown. Inheritance: Autosomal dominant inheritance. Affected: yes. Observed: 2 heterozygotes. Clinical features observed: Bilateral tonic-clonic seizure (HP:0002069), Nocturnal seizures (HP:0031951), Migraine (HP:0002076).
Comment: The variant c.3564-1G>C in the DEPDC5 gene could be classified as a pathogenic variant according to ACMG criteria (PM2, PVS1, PS3). It is absent from large population studies and databases. We analyzed the variant using RT-PCR on cDNA obtained from patient's PBMCs. It leads to the destruction of the acceptor splice site of intron 35, followed by activation of the cryptic splice site in exon 36 and, as a result, its shortening by 5 nucleotides. At the mRNA level, it results in the formation of a premature stop codon.